The following is an entry in ClinVar:

NM_001843.4(CNTN1):c.-76-325T>G

Gene: CNTN1 (contactin 1; plus strand). Cytogenetic location: 12q12.
Variant type: single nucleotide variant.
Coding change: c.-76-325T>G on transcript NM_001843.4 (MANE Select); 325 bases into the intron before 76 bases upstream of the start codon, T replaced by G.
Molecular consequence: intron variant.
Genome position (GRCh38, 1-based): chr12:40,908,032, T>G. VCF-style: chr12-40908032-T-G. GRCh37 (hg19) VCF-style: chr12-41301834-T-G.
Other names: c.-76-325T>G (NM_001256063.2, NM_001256064.2).
Identifiers: ClinVar variation 671822 (VCV000671822.1), dbSNP rs12821990, ClinGen allele CA235411330.

ClinVar aggregate classification (germline): Likely benign (1 of 4 stars; one submission).

Allele frequency attached by ClinVar (database versions not stated): 1000 Genomes Project 0.02835; 1000 Genomes Project 30x 0.02858; gnomAD 0.03258 and 0.03302; TOPMed 0.03408.
gnomAD v4.1: 5,092 of 152,314 alleles (3.3%); highest among the groups gnomAD compares: Middle Eastern, 12%; 112 homozygotes.

Submission:

GeneDx
Classification: Likely benign. Last evaluated: 2018-06-19. Review status: criteria provided, single submitter. Criteria: GeneDx Variant Classification (06012015). Collection method: clinical testing. Allele origin: germline. Affected: yes.
Comment: This variant is considered likely benign or benign based on one or more of the following criteria: it is a conservative change, it occurs at a poorly conserved position in the protein, it is predicted to be benign by multiple in silico algorithms, and/or has population frequency not consistent with disease.